The following is an entry in ClinVar:

ClinVar aggregate classification (germline): Benign/Likely benign. Review status: criteria provided, multiple submitters, no conflicts (2 of 4 stars). 3 submissions from 3 submitters: Benign (1); Likely benign (2). Last evaluated 2026-03-01.

Conditions:
Developmental and epileptic encephalopathy, 30 (DEE30). Also called: Epileptic encephalopathy, early infantile, 30. Identifiers: MedGen C4225360, MONDO:0014595, OMIM 616341.
Inborn genetic diseases. Identifiers: MedGen C0950123, MeSH D030342.

Allele frequency attached by ClinVar (database versions not stated): gnomAD exomes 0.00006; ExAC 0.00007; 1000 Genomes Project 0.00020.

Submissions (3):

CeGaT Center for Human Genetics Tuebingen
Classification: Likely benign. Last evaluated: 2026-03-01. Review status: criteria provided, single submitter. Criteria: CeGaT Center For Human Genetics Tuebingen Variant Classification Criteria Version 2. Collection method: clinical testing. Allele origin: germline. Affected: yes. Observed: 2 variant alleles.
Comment: SIK1: BP4, BS1:Supporting

Labcorp Genetics (formerly Invitae), Labcorp
Classification: Benign for Developmental and epileptic encephalopathy, 30. Last evaluated: 2025-08-09. Review status: criteria provided, single submitter. Criteria: Invitae Variant Classification Sherloc (09022015). Collection method: clinical testing. Allele origin: germline.

Ambry Genetics
Classification: Likely benign for Inborn genetic diseases. Last evaluated: 2025-05-03. Review status: criteria provided, single submitter. Criteria: Ambry Variant Classification Scheme 2023. Collection method: clinical testing. Allele origin: germline.

NM_173354.5(SIK1):c.854C>T (p.Pro285Leu)

Gene: SIK1 (salt inducible kinase 1; minus strand). Cytogenetic location: 21q22.3.
Variant type: single nucleotide variant.
Coding change: c.854C>T on transcript NM_173354.5 (MANE Select); coding-DNA position 854, C replaced by T.
Protein change: p.Pro285Leu; replaces proline 285 with leucine.
Molecular consequence: missense variant.
Genome position (GRCh38, 1-based): chr21:43,420,352, G>A on the plus strand (C>T on the coding strand, the complement: SIK1 is on the minus strand). VCF-style: chr21-43420352-G-A. GRCh37 (hg19) VCF-style: chr21-44840232-G-A.
Other names: short protein forms P285L.
Identifiers: ClinVar variation 833860 (VCV000833860.34), dbSNP rs567695572, ClinGen allele CA321326888.